The following is an entry in ClinVar:

ClinVar aggregate classification (germline): Likely pathogenic (1 of 4 stars; one submission).

Conditions:
Neuronal ceroid lipofuscinosis. Also called: Neuronal Ceroid Lipofuscinoses. Identifiers: Orphanet 216, Orphanet 79263, MedGen C0027877, MONDO:0016295. Disease mechanism: loss of function.

Submission:

Women's Health and Genetics/Laboratory Corporation of America, LabCorp
Classification: Likely pathogenic for Neuronal ceroid lipofuscinosis. Last evaluated: 2023-01-25. Review status: criteria provided, single submitter. Criteria: LabCorp Variant Classification Summary - May 2015. Collection method: clinical testing. Allele origin: germline.
Comment: Variant summary: The variant identified by MLPA or other technology involves the deletion of exons 1-2 in the MFSD8 gene. A presumed nomenclature of c.(?_-164)_(62+1_63-1)del has been designated for the purposes of this classification. Although exact breakpoints of this deletion are not known, it is expected to remove the initiation codon and is predicted to result either in absence of the protein or truncation of the encoded protein due to translation initiation at a downstream site. An alternative downstream in-frame start codon (p.Met46) is located in exon 3 of the encoded protein. The variant was absent in 21694 control chromosomes (gnomAD, Structural Variants dataset). To our knowledge, no occurrence of c.(?_-164)_(62+1_63-1)del in individuals affected with Neuronal Ceroid-Lipofuscinosis (Batten Disease) and no experimental evidence demonstrating its impact on protein function have been reported. No clinical diagnostic laboratories have submitted clinical-significance assessments for this variant to ClinVar after 2014. However, deletion of exon 2 (which includes the initiation codon) is classified pathogenic in ClinVar (variation ID: 1069576). Additionally, a start-loss variant (c.2T>C/p.M1?) has been reported in individuals affected with late infantile Neuronal ceroid lipofuscinoses and Retinal degeneration (PMID 19177532, 32037395). Based on the evidence outlined above, the variant was classified as likely pathogenic.

NC_000004.11:g.(128878748_128886226)_(128887140_?)del

Genes: ABHD18 (abhydrolase domain containing 18; plus strand), MFSD8 (major facilitator superfamily domain containing 8; minus strand). Cytogenetic location: 4q28.2.
Variant type: Deletion.
Identifiers: ClinVar variation 2429312 (VCV002429312.3).